The following is an entry in ClinVar:

NM_000217.3(KCNA1):c.599G>C (p.Gly200Ala)

Gene: KCNA1 (potassium voltage-gated channel subfamily A member 1; plus strand). Cytogenetic location: 12p13.32.
Variant type: single nucleotide variant.
Coding change: c.599G>C on transcript NM_000217.3 (MANE Select); coding-DNA position 599, G replaced by C.
Protein change: p.Gly200Ala; replaces glycine 200 with alanine.
Molecular consequence: missense variant.
Genome position (GRCh38, 1-based): chr12:4,911,977, G>C. VCF-style: chr12-4911977-G-C. GRCh37 (hg19) VCF-style: chr12-5021143-G-C.
Other names: short protein forms G200A.
Identifiers: ClinVar variation 532541 (VCV000532541.10), dbSNP rs1411072418, ClinGen allele CA383454920.

ClinVar aggregate classification (germline): Uncertain significance. Review status: criteria provided, multiple submitters, no conflicts (2 of 4 stars). 3 submissions from 3 submitters: Uncertain significance (3). Last evaluated 2026-08-01.

Conditions:
Episodic ataxia type 1 (EA1). Also called: Episodic ataxia/myokymia syndrome; MYOKYMIA WITH PERIODIC ATAXIA; PAROXYSMAL ATAXIA WITH NEUROMYOTONIA, HEREDITARY; ATAXIA, EPISODIC, WITH MYOKYMIA. Identifiers: Orphanet 37612, Orphanet 972, MedGen C1719788, MONDO:0008047, OMIM 160120.

Submissions (3):

CeGaT Center for Human Genetics Tuebingen
Classification: Uncertain significance. Last evaluated: 2026-08-01. Review status: criteria provided, single submitter. Criteria: CeGaT Center For Human Genetics Tuebingen Variant Classification Criteria Version 2. Collection method: clinical testing. Allele origin: germline. Affected: yes. Observed: 1 variant allele.
Comment: KCNA1: PM2

Labcorp Genetics (formerly Invitae), Labcorp
Classification: Uncertain significance for Episodic ataxia type 1. Last evaluated: 2025-06-11. Review status: criteria provided, single submitter. Criteria: Invitae Variant Classification Sherloc (09022015). Collection method: clinical testing. Allele origin: germline.
Comment: This sequence change replaces glycine, which is neutral and non-polar, with alanine, which is neutral and non-polar, at codon 200 of the KCNA1 protein (p.Gly200Ala). This variant is not present in population databases (gnomAD no frequency). This variant has not been reported in the literature in individuals affected with KCNA1-related conditions. ClinVar contains an entry for this variant (Variation ID: 532541). Invitae Evidence Modeling of protein sequence and biophysical properties (such as structural, functional, and spatial information, amino acid conservation, physicochemical variation, residue mobility, and thermodynamic stability) indicates that this missense variant is not expected to disrupt KCNA1 protein function with a negative predictive value of 80%. In summary, the available evidence is currently insufficient to determine the role of this variant in disease. Therefore, it has been classified as a Variant of Uncertain Significance.

Fulgent Genetics
Classification: Uncertain significance for Episodic ataxia type 1. Last evaluated: 2024-02-09. Review status: criteria provided, single submitter. Criteria: ACMG Guidelines, 2015. Collection method: clinical testing. Allele origin: germline.